The following is an entry in ClinVar:

ClinVar aggregate classification (germline): Likely benign. Review status: criteria provided, multiple submitters, no conflicts (2 of 4 stars). 2 submissions from 2 submitters: Likely benign (2). Last evaluated 2026-07-07.

Conditions:
Rhabdoid tumor predisposition syndrome 2 (RTPS2). Identifiers: Orphanet 231108, Orphanet 69077, MedGen C2750074, MONDO:0013224, OMIM 613325.

Allele frequency attached by ClinVar (database versions not stated): TOPMed below 0.00001; gnomAD exomes below 0.00001.
gnomAD v4.1: 3 of 1,611,998 alleles (0.00019%); highest among the groups gnomAD compares: Non-Finnish European, 0.00025%; no homozygotes.

Submissions (2):

Myriad Genetics, Inc.
Classification: Likely benign for Rhabdoid tumor predisposition syndrome 2. Last evaluated: 2026-07-07. Review status: criteria provided, single submitter. Criteria: Myriad Autosomal Dominant, Autosomal Recessive and X-Linked Classification Criteria (2023). Collection method: clinical testing. Allele origin: unknown.
Comment: This variant is considered likely benign. This variant is intronic and is not expected to impact mRNA splicing.

Labcorp Genetics (formerly Invitae), Labcorp
Classification: Likely benign for Rhabdoid tumor predisposition syndrome 2. Last evaluated: 2026-01-15. Review status: criteria provided, single submitter. Criteria: Invitae Variant Classification Sherloc (09022015). Collection method: clinical testing. Allele origin: germline.

NM_003072.5(SMARCA4):c.3169-18T>C

Gene: SMARCA4 (SWI/SNF related BAF chromatin remodeling complex subunit ATPase 4; plus strand). Cytogenetic location: 19p13.2.
Variant type: single nucleotide variant.
Coding change: c.3169-18T>C on transcript NM_003072.5 (MANE Select); 18 bases into the intron before coding-DNA position 3169, T replaced by C.
Molecular consequence: intron variant.
Genome position (GRCh38, 1-based): chr19:11,026,282, T>C. VCF-style: chr19-11026282-T-C. GRCh37 (hg19) VCF-style: chr19-11136958-T-C.
Other names: c.3169-18T>C (NM_001128844.3, NM_001128849.3, NM_001128847.4 and 5 more transcripts).
Identifiers: ClinVar variation 2080528 (VCV002080528.5), dbSNP rs1220743965, ClinGen allele CA631761786.
Genomic context (GRCh38, chr19:11,026,282, plus strand): 5'-GAGCGGTGTGTGCGGACCGCAGCGGGGCCCGGTGGCCTGCTCCTGCCTGTCACTGACCCC[T>C]CTCTCCTTGCCTTGCAGGAGTCCTTTTCCGAGCACTTGGGGTTCACTGGCGGCATTGTCC-3'